The following is an entry in ClinVar:

ClinVar aggregate classification (germline): Conflicting classifications of pathogenicity. Review status: criteria provided, conflicting classifications (1 of 4 stars). 6 submissions from 6 submitters: Uncertain significance (1); Benign (1); Likely benign (2). 2 of the submissions do not count toward it. Last evaluated 2026-02-02.

Allele frequency attached by ClinVar (database versions not stated): 1000 Genomes Project 0.00300; gnomAD exomes 0.00309 and 0.00347; 1000 Genomes Project 30x 0.00312; gnomAD 0.00315 and 0.00324; ExAC 0.00334; TOPMed 0.00351; ESP Exome Variant Server 0.00392.
gnomAD v4.1: 5,609 of 1,613,746 alleles (0.35%); highest among the groups gnomAD compares: Middle Eastern, 0.71%; 24 homozygotes.

Submissions (6):

Labcorp Genetics (formerly Invitae), Labcorp
Classification: Benign. Last evaluated: 2026-02-02. Review status: criteria provided, single submitter. Criteria: Invitae Variant Classification Sherloc (09022015). Collection method: clinical testing. Allele origin: germline.

Mayo Clinic Laboratories, Mayo Clinic
Classification: Likely benign. Last evaluated: 2023-10-26. Review status: criteria provided, single submitter. Criteria: ACMG Guidelines, 2015. Collection method: clinical testing. Allele origin: germline. Observed: 4 variant alleles.
Comment: BS1, BP4, BP7

CeGaT Center for Human Genetics Tuebingen
Classification: Likely benign. Last evaluated: 2022-01-01. Review status: criteria provided, single submitter. Criteria: CeGaT Center For Human Genetics Tuebingen Variant Classification Criteria Version 2. Collection method: clinical testing. Allele origin: germline. Affected: yes. Observed: 1 variant allele.

Genetic Services Laboratory, University of Chicago
Classification: Uncertain significance. Last evaluated: 2015-06-11. Review status: criteria provided, single submitter. Criteria: ACMG Guidelines, 2015. Collection method: clinical testing. Allele origin: germline.

Clinical Genetics DNA and cytogenetics Diagnostics Lab, Erasmus MC, Erasmus Medical Center
Classification: Likely benign. Review status: no assertion criteria provided. Collection method: clinical testing. Allele origin: germline. Affected: yes. Study: VKGL Data-share Consensus. Not counted in ClinVar's aggregate classification.

Clinical Genetics, Academic Medical Center
Classification: Benign. Review status: no assertion criteria provided. Collection method: clinical testing. Allele origin: germline. Affected: yes. Study: VKGL Data-share Consensus. Not counted in ClinVar's aggregate classification.

NM_032122.5(DTNBP1):c.702C>T (p.Asn234=)

Gene: DTNBP1 (dystrobrevin binding protein 1; minus strand). Cytogenetic location: 6p22.3.
Variant type: single nucleotide variant.
Coding change: c.702C>T on transcript NM_032122.5 (MANE Select); coding-DNA position 702, C replaced by T.
Protein change: p.Asn234=; no amino-acid change (asparagine 234 retained).
Molecular consequence: synonymous variant. On other transcripts: non-coding transcript variant (1).
Genome position (GRCh38, 1-based): chr6:15,524,635, G>A on the plus strand (C>T on the coding strand, the complement: DTNBP1 is on the minus strand). VCF-style: chr6-15524635-G-A. GRCh37 (hg19) VCF-style: chr6-15524866-G-A.
Other names: p.Asn234=; c.459C>T, p.Asn153= (NM_001271667.2); c.651C>T, p.Asn217= (NM_001271668.2); c.597C>T, p.Asn199= (NM_001271669.2); c.702C>T, p.Asn234= (NM_183040.2).
Identifiers: ClinVar variation 210858 (VCV000210858.52), dbSNP rs78181071, ClinGen allele CA206858.